The following is an entry in ClinVar:

ClinVar aggregate classification (germline): Conflicting classifications of pathogenicity. Review status: criteria provided, conflicting classifications (1 of 4 stars). 3 submissions from 3 submitters: Uncertain significance (1); Likely benign (1). 1 of the submissions does not count toward it. Last evaluated 2023-01-30.

Conditions:
COQ2-related disorder. Also called: COQ2-related condition.

Allele frequency attached by ClinVar (database versions not stated): gnomAD exomes below 0.00001; ExAC 0.00001; TOPMed 0.00001.
gnomAD v4.1: 2 of 1,612,046 alleles (0.00012%); highest among the groups gnomAD compares: Non-Finnish European, 0.00017%; no homozygotes.

Submissions (3):

GeneDx
Classification: Uncertain significance. Last evaluated: 2023-01-30. Review status: criteria provided, single submitter. Criteria: GeneDx Variant Classification Process June 2021. Collection method: clinical testing. Allele origin: germline. Affected: yes.
Comment: Not observed at significant frequency in large population cohorts (gnomAD); In silico analysis supports that this variant does not alter splicing; Has not been previously published as pathogenic or benign to our knowledge

Labcorp Genetics (formerly Invitae), Labcorp
Classification: Likely benign. Last evaluated: 2022-12-20. Review status: criteria provided, single submitter. Criteria: Invitae Variant Classification Sherloc (09022015). Collection method: clinical testing. Allele origin: germline.

PreventionGenetics, part of Exact Sciences
Classification: Likely benign for COQ2-related condition. Last evaluated: 2022-02-14. Review status: no assertion criteria provided. Collection method: clinical testing. Allele origin: germline. Not counted in ClinVar's aggregate classification.
Comment: This variant is classified as likely benign based on ACMG/AMP sequence variant interpretation guidelines (Richards et al. 2015 PMID: 25741868, with internal and published modifications).

NM_001358921.2(COQ2):c.421-9T>C

Gene: COQ2 (coenzyme Q2, polyprenyltransferase; minus strand). Cytogenetic location: 4q21.23.
Variant type: single nucleotide variant.
Coding change: c.421-9T>C on transcript NM_001358921.2 (MANE Select); 9 bases into the intron before coding-DNA position 421, T replaced by C.
Molecular consequence: intron variant.
Genome position (GRCh38, 1-based): chr4:83,273,626, A>G on the plus strand (T>C on the coding strand, the complement: COQ2 is on the minus strand). VCF-style: chr4-83273626-A-G. GRCh37 (hg19) VCF-style: chr4-84194779-A-G.
Other names: c.571-9T>C (NM_015697.9, NM_015697.7).
Identifiers: ClinVar variation 2044340 (VCV002044340.7), dbSNP rs778586293, ClinGen allele CA2988602.
Genomic context (GRCh38, chr4:83,273,626, plus strand): 5'-GAAAAGTTGAAATGTCTCCAGCGGCTATTGGACGATTGGCTGTTCTTGTAACCTTAAAAC[A>G]TAAAAACAGATACCTTAGCTTCATGTAATGACTCAATCATTTATTTAAACATTTAATGAA-3'